The following is an entry in ClinVar:

ClinVar aggregate classification (germline): Conflicting classifications of pathogenicity. Review status: criteria provided, conflicting classifications (1 of 4 stars). 2 submissions from 2 submitters: Likely pathogenic (1); Uncertain significance (1). Last evaluated 2025-03-31.

Submissions (2):

GeneDx
Classification: Uncertain significance. Last evaluated: 2025-03-31. Review status: criteria provided, single submitter. Criteria: GeneDx Variant Classification Process June 2021. Collection method: clinical testing. Allele origin: germline. Affected: yes.
Comment: Not observed at significant frequency in large population cohorts (gnomAD); In silico analysis indicates that this missense variant does not alter protein structure/function; Has not been previously published as pathogenic or benign to our knowledge

CeGaT Center for Human Genetics Tuebingen
Classification: Likely pathogenic. Last evaluated: 2021-08-01. Review status: criteria provided, single submitter. Criteria: CeGaT Center For Human Genetics Tuebingen Variant Classification Criteria Version 2. Collection method: clinical testing. Allele origin: germline. Affected: yes. Observed: 1 variant allele.

NM_031407.7(HUWE1):c.12463C>G (p.Gln4155Glu)

Gene: HUWE1 (HECT, UBA and WWE domain containing E3 ubiquitin protein ligase 1; minus strand). Cytogenetic location: Xp11.22.
Variant type: single nucleotide variant.
Coding change: c.12463C>G on transcript NM_031407.7 (MANE Select); coding-DNA position 12463, C replaced by G.
Protein change: p.Gln4155Glu; replaces glutamine 4155 with glutamic acid.
Molecular consequence: missense variant.
Genome position (GRCh38, 1-based): chrX:53,536,215, G>C on the plus strand (C>G on the coding strand, the complement: HUWE1 is on the minus strand). VCF-style: chrX-53536215-G-C. GRCh37 (hg19) VCF-style: chrX-53563176-G-C.
Other names: c.12463C>G (NM_031407.4); short protein forms Q4155E.
Identifiers: ClinVar variation 1299189 (VCV001299189.36), dbSNP rs2146868509, ClinGen allele CA413149465.